The following is an entry in ClinVar:

ClinVar aggregate classification (germline): Uncertain significance (0 of 4 stars; one submission).

Conditions:
NCOA1-related disorder. Also called: NCOA1-related condition.

Allele frequency attached by ClinVar (database versions not stated): gnomAD 0.00003; TOPMed 0.00003; gnomAD exomes 0.00004.
gnomAD v4.1: 27 of 1,614,072 alleles (0.0017%); highest among the groups gnomAD compares: Non-Finnish European, 0.0023%; no homozygotes.

Submission:

PreventionGenetics, part of Exact Sciences
Classification: Uncertain significance for NCOA1-related condition. Last evaluated: 2024-09-11. Review status: no assertion criteria provided. Collection method: clinical testing. Allele origin: germline.
Comment: The NCOA1 c.1553C>G variant is predicted to result in the amino acid substitution p.Pro518Arg. To our knowledge, this variant has not been reported in the literature. This variant is reported in 0.0062% of alleles in individuals of European (Non-Finnish) descent in gnomAD. At this time, the clinical significance of this variant is uncertain due to the absence of conclusive functional and genetic evidence.

NM_003743.5(NCOA1):c.1553C>G (p.Pro518Arg)

Gene: NCOA1 (nuclear receptor coactivator 1; plus strand). Cytogenetic location: 2p23.3.
Variant type: single nucleotide variant.
Coding change: c.1553C>G on transcript NM_003743.5 (MANE Select); coding-DNA position 1553, C replaced by G.
Protein change: p.Pro518Arg; replaces proline 518 with arginine.
Molecular consequence: missense variant.
Genome position (GRCh38, 1-based): chr2:24,707,023, C>G. VCF-style: chr2-24707023-C-G. GRCh37 (hg19) VCF-style: chr2-24929892-C-G.
Other names: c.1553C>G, p.Pro518Arg (NM_001362950.1, NM_001362952.1, NM_001362954.1 and 3 more transcripts); short protein forms P518R.
Identifiers: ClinVar variation 2634183 (VCV002634183.2), dbSNP rs1411382256, ClinGen allele CA346049004.